The following is an entry in ClinVar:

ClinVar aggregate classification (germline): Pathogenic (1 of 4 stars; one submission).

Submission:

GeneDx
Classification: Pathogenic. Last evaluated: 2019-10-21. Review status: criteria provided, single submitter. Criteria: GeneDx Variant Classification Process June 2021. Collection method: clinical testing. Allele origin: germline. Affected: yes.
Comment: Frameshift variant predicted to result in protein truncation or nonsense mediated decay in a gene for which loss-of-function is a known mechanism of disease; Not observed in large population cohorts (Lek et al., 2016); Has not been previously published as pathogenic or benign to our knowledge

NM_016628.5(WAC):c.1319_1337dup (p.Ser446_Pro447insAsnIleTer)

Gene: WAC (WW domain containing adaptor with coiled-coil; plus strand). Cytogenetic location: 10p12.1.
Variant type: Duplication.
Coding change: c.1319_1337dup on transcript NM_016628.5 (MANE Select); coding-DNA positions 1319 to 1337, 19 bases duplicated (TAACATCTGATGCGTCATC).
Protein change: p.Ser446_Pro447insAsnIleTer.
Molecular consequence: nonsense, inframe insertion.
Genome position (GRCh38, 1-based): chr10:28,611,804-28,611,822, TAACATCTGATGCGTCATC duplicated. VCF-style (leftmost placement, unchanged base first): chr10-28611803-T-TTAACATCTGATGCGTCATC. GRCh37 (hg19) VCF-style: chr10-28900732-T-TTAACATCTGATGCGTCATC.
Other names: c.1184_1202dup, p.Ser401_Pro402insAsnIleTer (NM_100264.3); c.1010_1028dup, p.Ser343_Pro344insAsnIleTer (NM_100486.4).
Identifiers: ClinVar variation 1203538 (VCV001203538.3), dbSNP rs2132833820, ClinGen allele CA2499220225.